The following is an entry in ClinVar:

ClinVar aggregate classification (germline): Likely pathogenic (1 of 4 stars; one submission).

gnomAD v4.1: 3 of 1,614,012 alleles (0.00019%); highest among the groups gnomAD compares: East Asian, 0.0022%; no homozygotes.

Submission:

GeneDx
Classification: Likely pathogenic. Last evaluated: 2024-01-30. Review status: criteria provided, single submitter. Criteria: GeneDx Variant Classification Process June 2021. Collection method: clinical testing. Allele origin: germline. Affected: yes.
Comment: Nonsense variant predicted to result in protein truncation or nonsense mediated decay in a gene for which loss-of-function is a known mechanism of disease; Not observed at significant frequency in large population cohorts (gnomAD); Has not been previously published as pathogenic or benign to our knowledge

NM_020374.4(FERRY3):c.916C>T (p.Arg306Ter)

Gene: FERRY3 (FERRY endosomal RAB5 effector complex subunit 3; minus strand). Cytogenetic location: 12p13.32.
Variant type: single nucleotide variant.
Coding change: c.916C>T on transcript NM_020374.4 (MANE Select); coding-DNA position 916, C replaced by T.
Protein change: p.Arg306Ter; replaces arginine 306 with a stop codon.
Molecular consequence: nonsense. On other transcripts: non-coding transcript variant (1).
Genome position (GRCh38, 1-based): chr12:4,518,175, G>A on the plus strand (C>T on the coding strand, the complement: FERRY3 is on the minus strand). VCF-style: chr12-4518175-G-A. GRCh37 (hg19) VCF-style: chr12-4627341-G-A.
Other names: c.916C>T, p.Arg306Ter (NM_001304811.2, NM_001346153.2, NM_001346155.2); c.397C>T, p.Arg133Ter (NM_001346156.2, NM_001346157.2); c.64C>T, p.Arg22Ter (NM_001352962.2); short protein forms R133*, R22*, R306*.
Identifiers: ClinVar variation 3342369 (VCV003342369.1).